The following is an entry in ClinVar:

ClinVar aggregate classification (germline): Uncertain significance (1 of 4 stars; one submission).

Allele frequency attached by ClinVar (database versions not stated): gnomAD 0.00001; gnomAD exomes 0.00001; TOPMed 0.00001; ExAC 0.00002.
gnomAD v4.1: 9 of 1,613,844 alleles (0.00056%); highest among the groups gnomAD compares: East Asian, 0.011%; no homozygotes.

Submission:

Labcorp Genetics (formerly Invitae), Labcorp
Classification: Uncertain significance. Last evaluated: 2025-12-22. Review status: criteria provided, single submitter. Criteria: Invitae Variant Classification Sherloc (09022015). Collection method: clinical testing. Allele origin: germline.
Comment: This sequence change replaces glycine, which is neutral and non-polar, with glutamic acid, which is acidic and polar, at codon 224 of the RHO protein (p.Gly224Glu). This variant is present in population databases (rs764633076, gnomAD 0.02%). This variant has not been reported in the literature in individuals affected with RHO-related conditions. ClinVar contains an entry for this variant (Variation ID: 1351568). Invitae Evidence Modeling of protein sequence and biophysical properties (such as structural, functional, and spatial information, amino acid conservation, physicochemical variation, residue mobility, and thermodynamic stability) indicates that this missense variant is expected to disrupt RHO protein function with a positive predictive value of 95%. In summary, the available evidence is currently insufficient to determine the role of this variant in disease. Therefore, it has been classified as a Variant of Uncertain Significance.

NM_000539.3(RHO):c.671G>A (p.Gly224Glu)

Gene: RHO (rhodopsin; plus strand). Cytogenetic location: 3q22.1.
Variant type: single nucleotide variant.
Coding change: c.671G>A on transcript NM_000539.3 (MANE Select); coding-DNA position 671, G replaced by A.
Protein change: p.Gly224Glu; replaces glycine 224 with glutamic acid.
Molecular consequence: missense variant.
Genome position (GRCh38, 1-based): chr3:129,532,391, G>A. VCF-style: chr3-129532391-G-A. GRCh37 (hg19) VCF-style: chr3-129251234-G-A.
Other names: short protein forms G224E.
Identifiers: ClinVar variation 1351568 (VCV001351568.8), dbSNP rs764633076, ClinGen allele CA2607235.